The following is an entry in ClinVar:

NC_000003.11:g.(?_193382649)_(193384198_?)del

Gene: OPA1 (OPA1 mitochondrial dynamin like GTPase; plus strand). Cytogenetic location: 3q29.
Variant type: Deletion.
Identifiers: ClinVar variation 2426185 (VCV002426185.4).

ClinVar aggregate classification (germline): Pathogenic (1 of 4 stars; one submission).

Submission:

Labcorp Genetics (formerly Invitae), Labcorp
Classification: Pathogenic. Last evaluated: 2022-05-04. Review status: criteria provided, single submitter. Criteria: Invitae Variant Classification Sherloc (09022015). Collection method: clinical testing. Allele origin: germline.
Comment: A similar copy number variant has been observed in individual(s) with autosomal dominant optic atrophy (PMID: 21457585, 34242285). For these reasons, this variant has been classified as Pathogenic. This variant is a gross deletion of the genomic region encompassing exon(s) 25-26 of the OPA1 gene. This deletion is out-of-frame, and is expected to create a premature termination codon and result in an absent or disrupted protein product. Loss-of-function variants in OPA1 are known to be pathogenic (PMID: 11440988, 20157015, 20952381, 25012220).

Literature cited by the submitters: PubMed 21457585; PubMed 34242285; PubMed 11440988; PubMed 20157015; PubMed 20952381; PubMed 25012220.